The following is an entry in ClinVar:

NM_001040436.3(YARS2):c.308G>C (p.Arg103Pro)

Gene: YARS2 (tyrosyl-tRNA synthetase 2; minus strand). Cytogenetic location: 12p11.21.
Variant type: single nucleotide variant.
Coding change: c.308G>C on transcript NM_001040436.3 (MANE Select); coding-DNA position 308, G replaced by C.
Protein change: p.Arg103Pro; replaces arginine 103 with proline.
Molecular consequence: missense variant.
Genome position (GRCh38, 1-based): chr12:32,755,567, C>G on the plus strand (G>C on the coding strand, the complement: YARS2 is on the minus strand). VCF-style: chr12-32755567-C-G. GRCh37 (hg19) VCF-style: chr12-32908501-C-G.
Other names: short protein forms R103P.
Identifiers: ClinVar variation 2016612 (VCV002016612.4), dbSNP rs2541164394, ClinGen allele CA384374157.
Genomic context (GRCh38, chr12:32,755,567, plus strand): 5'-CTCGGGTCTCCCAGGCGCGCCGTGGCGCCTCCCACCAGCGCGATCACGTTGTGGCCCGCT[C>G]GCTGCAAATGAAACAGGCCCAGCAGCGCAAGTAGATGACCCACATGAAGCGAGTCTGCCG-3'
Protein context (NP_001035526.1, residues 93-113): LALLGLFHLQ[Arg103Pro]AGHNVIALVG

ClinVar aggregate classification (germline): Uncertain significance (1 of 4 stars; one submission).

Submission:

Labcorp Genetics (formerly Invitae), Labcorp
Classification: Uncertain significance. Last evaluated: 2024-02-20. Review status: criteria provided, single submitter. Criteria: Invitae Variant Classification Sherloc (09022015). Collection method: clinical testing. Allele origin: germline.
Comment: This sequence change replaces arginine, which is basic and polar, with proline, which is neutral and non-polar, at codon 103 of the YARS2 protein (p.Arg103Pro). This variant is not present in population databases (gnomAD no frequency). This variant has not been reported in the literature in individuals affected with YARS2-related conditions. ClinVar contains an entry for this variant (Variation ID: 2016612). Advanced modeling of protein sequence and biophysical properties (such as structural, functional, and spatial information, amino acid conservation, physicochemical variation, residue mobility, and thermodynamic stability) performed at Invitae indicates that this missense variant is expected to disrupt YARS2 protein function with a positive predictive value of 80%. In summary, the available evidence is currently insufficient to determine the role of this variant in disease. Therefore, it has been classified as a Variant of Uncertain Significance.